The following is an entry in ClinVar:

ClinVar aggregate classification (germline): Conflicting classifications of pathogenicity. Review status: criteria provided, conflicting classifications (1 of 4 stars). 6 submissions from 6 submitters: Uncertain significance (2); Likely benign (3). 1 of the submissions does not count toward it. Last evaluated 2025-08-30.

Conditions:
Inborn genetic diseases. Identifiers: MedGen C0950123, MeSH D030342.
Phosphoenolpyruvate carboxykinase deficiency, cytosolic (PCKDC). Also called: PCK1 DEFICIENCY, CYTOSOLIC; PEPCK DEFICIENCY, CYTOSOLIC. Identifiers: Orphanet 2880, MedGen C5574905, MONDO:0009866, OMIM 261680.
PCK1-related disorder. Also called: PCK1-related condition.

Allele frequency attached by ClinVar (database versions not stated): 1000 Genomes Project 0.00060; 1000 Genomes Project 30x 0.00062; gnomAD 0.00089 and 0.00091; TOPMed 0.00102; gnomAD exomes 0.00132 and 0.00186; ESP Exome Variant Server 0.00154; ExAC 0.00175.
gnomAD v4.1: 2,792 of 1,610,994 alleles (0.17%); highest among the groups gnomAD compares: Non-Finnish European, 0.22%; 5 homozygotes.

Submissions (6):

Labcorp Genetics (formerly Invitae), Labcorp
Classification: Likely benign. Last evaluated: 2025-08-30. Review status: criteria provided, single submitter. Criteria: Invitae Variant Classification Sherloc (09022015). Collection method: clinical testing. Allele origin: germline.

Ambry Genetics
Classification: Likely benign for Inborn genetic diseases. Last evaluated: 2024-09-08. Review status: criteria provided, single submitter. Criteria: Ambry Variant Classification Scheme 2023. Collection method: clinical testing. Allele origin: germline.

Baylor Genetics
Classification: Uncertain significance for Phosphoenolpyruvate carboxykinase deficiency, cytosolic. Last evaluated: 2020-11-19. Review status: criteria provided, single submitter. Criteria: ACMG Guidelines, 2015. Collection method: clinical testing. Allele origin: unknown. Affected: yes.
Comment: This variant was determined to be of uncertain significance according to ACMG Guidelines, 2015 [PMID:25741868].

CeGaT Center for Human Genetics Tuebingen
Classification: Uncertain significance. Last evaluated: 2019-06-01. Review status: criteria provided, single submitter. Criteria: CeGaT Center For Human Genetics Tuebingen Variant Classification Criteria Version 2. Collection method: clinical testing. Allele origin: germline. Affected: yes. Observed: 3 variant alleles.

Illumina Laboratory Services, Illumina
Classification: Likely benign for Phosphoenolpyruvate carboxykinase deficiency, cytosolic. Last evaluated: 2017-04-27. Review status: criteria provided, single submitter. Criteria: ICSL Variant Classification Criteria 13 December 2019. Collection method: clinical testing. Allele origin: germline.
Comment: This variant was observed as part of a predisposition screen in an ostensibly healthy population. A literature search was performed for the gene, cDNA change, and amino acid change (where applicable). No publications were found based on this search. Allele frequency data from public databases allowed determination this variant is unlikely to cause disease. Therefore, this variant is classified as likely benign.

PreventionGenetics, part of Exact Sciences
Classification: Likely benign for PCK1-related condition. Last evaluated: 2023-02-09. Review status: no assertion criteria provided. Collection method: clinical testing. Allele origin: germline. Not counted in ClinVar's aggregate classification.
Comment: This variant is classified as likely benign based on ACMG/AMP sequence variant interpretation guidelines (Richards et al. 2015 PMID: 25741868, with internal and published modifications).

NM_002591.4(PCK1):c.7C>T (p.Pro3Ser)

Gene: PCK1 (phosphoenolpyruvate carboxykinase 1; plus strand). Cytogenetic location: 20q13.31.
Variant type: single nucleotide variant.
Coding change: c.7C>T on transcript NM_002591.4 (MANE Select); coding-DNA position 7, C replaced by T.
Protein change: p.Pro3Ser; replaces proline 3 with serine.
Molecular consequence: missense variant.
Genome position (GRCh38, 1-based): chr20:57,561,418, C>T. VCF-style: chr20-57561418-C-T. GRCh37 (hg19) VCF-style: chr20-56136474-C-T.
Other names: short protein forms P3S.
Identifiers: ClinVar variation 788182 (VCV000788182.57), dbSNP rs147120329, ClinGen allele CA9921868.
Genomic context (GRCh38, chr20:57,561,418, plus strand): 5'-GTTTTCTATTTCAGGTGACCTCACATTCGTGCCCCTTAGCAGCACTCTGCAGAAATGCCT[C>T]CTCAGCTGCAAAACGGCCTGAACCTCTCGGCCAAAGTTGTCCAGGGAAGCCTGGACAGCC-3'
Protein context (NP_002582.3, residues 1-13): MP[Pro3Ser]QLQNGLNLSA